The following is an entry in ClinVar:

ClinVar aggregate classification (germline): Uncertain significance. Review status: criteria provided, multiple submitters, no conflicts (2 of 4 stars). 2 submissions from 2 submitters: Uncertain significance (2). Last evaluated 2024-08-04.

gnomAD v4.1: 14 of 1,613,202 alleles (0.00087%); highest among the groups gnomAD compares: Non-Finnish European, 0.001%; no homozygotes.

Submissions (2):

GeneDx
Classification: Uncertain significance. Last evaluated: 2024-08-04. Review status: criteria provided, single submitter. Criteria: GeneDx Variant Classification Process June 2021. Collection method: clinical testing. Allele origin: germline.
Comment: Not observed at significant frequency in large population cohorts (gnomAD); In silico analysis indicates that this missense variant does not alter protein structure/function; Has not been previously published as pathogenic or benign to our knowledge

Revvity Omics, Revvity
Classification: Uncertain significance. Last evaluated: 2020-08-06. Review status: criteria provided, single submitter. Criteria: ACMG Guidelines, 2015. Collection method: clinical testing. Allele origin: germline.

NM_000203.5(IDUA):c.514G>A (p.Val172Ile)

Gene: IDUA (alpha-L-iduronidase; plus strand). Cytogenetic location: 4p16.3.
Variant type: single nucleotide variant.
Coding change: c.514G>A on transcript NM_000203.5 (MANE Select); coding-DNA position 514, G replaced by A.
Protein change: p.Val172Ile; replaces valine 172 with isoleucine.
Molecular consequence: missense variant. On other transcripts: non-coding transcript variant (1).
Genome position (GRCh38, 1-based): chr4:1,001,488, G>A. VCF-style: chr4-1001488-G-A. GRCh37 (hg19) VCF-style: chr4-995276-G-A.
Other names: c.118G>A, p.Val40Ile (NM_001363576.1); short protein forms V172I, V40I.
Identifiers: ClinVar variation 2432699 (VCV002432699.5), dbSNP rs139155899, ClinGen allele CA2801977.